The following is an entry in ClinVar:

ClinVar aggregate classification (germline): Uncertain significance (1 of 4 stars; one submission).

Conditions:
Hereditary cancer-predisposing syndrome. Also called: Tumor predisposition; Neoplastic Syndromes, Hereditary; Hereditary neoplastic syndrome; Hereditary Cancer Syndrome. Identifiers: Orphanet 140162, MedGen C0027672, MeSH D009386, MONDO:0015356.

gnomAD v4.1: 1 of 1,611,206 alleles (0.000062%); highest among the groups gnomAD compares: Non-Finnish European, 0.000085%; no homozygotes.

Submission:

Ambry Genetics
Classification: Uncertain significance for Hereditary cancer-predisposing syndrome. Last evaluated: 2025-07-23. Review status: criteria provided, single submitter. Criteria: Ambry Variant Classification Scheme 2023. Collection method: clinical testing. Allele origin: germline.
Comment: The c.1344G>A variant (also known as p.V448V), located in coding exon 9 of the MSH3 gene, results from a G to A substitution at nucleotide position 1344. This nucleotide substitution does not change the amino acid at codon 448. This nucleotide position is not well conserved in available vertebrate species. In silico splice site analysis for this alteration is inconclusive. Based on the available evidence, the clinical significance of this variant remains unclear.

NM_002439.5(MSH3):c.1344G>A (p.Val448=)

Gene: MSH3 (mutS homolog 3; plus strand). Cytogenetic location: 5q14.1.
Variant type: single nucleotide variant.
Coding change: c.1344G>A on transcript NM_002439.5 (MANE Select); coding-DNA position 1344, G replaced by A.
Protein change: p.Val448=; no amino-acid change (valine 448 retained).
Molecular consequence: synonymous variant.
Genome position (GRCh38, 1-based): chr5:80,725,456, G>A. VCF-style: chr5-80725456-G-A. GRCh37 (hg19) VCF-style: chr5-80021275-G-A.
Identifiers: ClinVar variation 4111100 (VCV004111100.1).